The following is an entry in ClinVar:

ClinVar aggregate classification (germline): Uncertain significance (1 of 4 stars; one submission).

Conditions:
MHC class I deficiency. Identifiers: Orphanet 34592, MedGen C6024714, MONDO:0011476.

Allele frequency attached by ClinVar (database versions not stated): TOPMed below 0.00001.

Submission:

Labcorp Genetics (formerly Invitae), Labcorp
Classification: Uncertain significance for MHC class I deficiency 1. Last evaluated: 2022-03-11. Review status: criteria provided, single submitter. Criteria: Invitae Variant Classification Sherloc (09022015). Collection method: clinical testing. Allele origin: germline.
Comment: In summary, the available evidence is currently insufficient to determine the role of this variant in disease. Therefore, it has been classified as a Variant of Uncertain Significance. Algorithms developed to predict the effect of missense changes on protein structure and function are either unavailable or do not agree on the potential impact of this missense change (SIFT: "Deleterious"; PolyPhen-2: "Possibly Damaging"; Align-GVGD: "Class C0"). This variant has not been reported in the literature in individuals affected with TAPBP-related conditions. This variant is not present in population databases (gnomAD no frequency). This sequence change replaces proline, which is neutral and non-polar, with leucine, which is neutral and non-polar, at codon 58 of the TAPBP protein (p.Pro58Leu).

NM_003190.5(TAPBP):c.173C>T (p.Pro58Leu)

Gene: TAPBP (TAP binding protein; minus strand). Cytogenetic location: 6p21.32.
Variant type: single nucleotide variant.
Coding change: c.173C>T on transcript NM_003190.5 (MANE Select); coding-DNA position 173, C replaced by T.
Protein change: p.Pro58Leu; replaces proline 58 with leucine.
Molecular consequence: missense variant.
Genome position (GRCh38, 1-based): chr6:33,313,729, G>A on the plus strand (C>T on the coding strand, the complement: TAPBP is on the minus strand). VCF-style: chr6-33313729-G-A. GRCh37 (hg19) VCF-style: chr6-33281506-G-A.
Other names: c.173C>T, p.Pro58Leu (NM_001410875.1, NM_172208.3, NM_172209.3); short protein forms P58L.
Identifiers: ClinVar variation 2040763 (VCV002040763.4), dbSNP rs757105202, ClinGen allele CA363622260.